The following is an entry in ClinVar:

ClinVar aggregate classification (germline): Uncertain significance (1 of 4 stars; one submission).

Conditions:
RPS6KA3-related disorder. Also called: RPS6KA3-related condition.

Submission:

PreventionGenetics, part of Exact Sciences
Classification: Uncertain significance for RPS6KA3-related condition. Last evaluated: 2025-02-27. Review status: criteria provided, single submitter. Criteria: ACMG Guidelines, 2015. Collection method: clinical testing. Allele origin: germline.
Comment: The RPS6KA3 c.899G>A variant is predicted to result in the amino acid substitution p.Arg300Gln. To our knowledge, this variant has not been reported in the literature or in a large population database (gnomAD), indicating this variant is rare. At this time, the clinical significance of this variant is uncertain due to the absence of conclusive functional and genetic evidence.

NM_004586.3(RPS6KA3):c.899G>A (p.Arg300Gln)

Gene: RPS6KA3 (ribosomal protein S6 kinase A3; minus strand). Cytogenetic location: Xp22.12.
Variant type: single nucleotide variant.
Coding change: c.899G>A on transcript NM_004586.3 (MANE Select); coding-DNA position 899, G replaced by A.
Protein change: p.Arg300Gln; replaces arginine 300 with glutamine.
Molecular consequence: missense variant.
Genome position (GRCh38, 1-based): chrX:20,177,031, C>T on the plus strand (G>A on the coding strand, the complement: RPS6KA3 is on the minus strand). VCF-style: chrX-20177031-C-T. GRCh37 (hg19) VCF-style: chrX-20195149-C-T.
Other names: c.815G>A, p.Arg272Gln (NM_001438340.1); short protein forms R272Q, R300Q.
Identifiers: ClinVar variation 5001009 (VCV005001009.1).